The following is an entry in ClinVar:

ClinVar aggregate classification (germline): Uncertain significance. Review status: criteria provided, multiple submitters, no conflicts (2 of 4 stars). 2 submissions from 2 submitters: Uncertain significance (2). Last evaluated 2024-05-26.

Conditions:
Inborn genetic diseases. Identifiers: MedGen C0950123, MeSH D030342.

Allele frequency attached by ClinVar (database versions not stated): gnomAD exomes below 0.00001; TOPMed 0.00002; ExAC 0.00001; gnomAD 0.00001.
gnomAD v4.1: 6 of 1,613,872 alleles (0.00037%); highest among the groups gnomAD compares: East Asian, 0.0045%; no homozygotes.

Submissions (2):

Ambry Genetics
Classification: Uncertain significance for Inborn genetic diseases. Last evaluated: 2024-05-26. Review status: criteria provided, single submitter. Criteria: Ambry Variant Classification Scheme 2023. Collection method: clinical testing. Allele origin: germline.

GeneDx
Classification: Uncertain significance. Last evaluated: 2021-07-02. Review status: criteria provided, single submitter. Criteria: GeneDx Variant Classification Process June 2021. Collection method: clinical testing. Allele origin: germline. Affected: yes.
Comment: Not observed at significant frequency in large population cohorts (Lek et al., 2016); In silico analysis supports that this missense variant has a deleterious effect on protein structure/function; Has not been previously published as pathogenic or benign to our knowledge; This variant is associated with the following publications: (PMID: 27535533)

NM_001083961.2(WDR62):c.2111C>T (p.Ser704Leu)

Gene: WDR62 (WD repeat domain 62; plus strand). Cytogenetic location: 19q13.12.
Variant type: single nucleotide variant.
Coding change: c.2111C>T on transcript NM_001083961.2 (MANE Select); coding-DNA position 2111, C replaced by T.
Protein change: p.Ser704Leu; replaces serine 704 with leucine.
Molecular consequence: missense variant.
Genome position (GRCh38, 1-based): chr19:36,091,276, C>T. VCF-style: chr19-36091276-C-T. GRCh37 (hg19) VCF-style: chr19-36582178-C-T.
Other names: c.2111C>T, p.Ser704Leu (NM_173636.5); short protein forms S704L.
Identifiers: ClinVar variation 1189292 (VCV001189292.3), dbSNP rs750547223, ClinGen allele CA9395833.
Genomic context (GRCh38, chr19:36,091,276, plus strand): 5'-CAGGCACCTTCCTGGCCACCAGCTGCTCTGACAAAAGCATCTCAGTGATTGACTTTTACT[C>T]GGGCGAGTGCATTGCCAAGATGTTTGGCCATTCAGGTGGGTGTGCCTCTCTGCTTGGGAT-3'
Protein context (NP_001077430.1, residues 694-714): DKSISVIDFY[Ser704Leu]GECIAKMFGH